The following is an entry in ClinVar:

NM_001267727.2(ARSG):c.977G>A (p.Arg326His)

Gene: ARSG (arylsulfatase G; plus strand). Cytogenetic location: 17q24.2.
Variant type: single nucleotide variant.
Coding change: c.977G>A on transcript NM_001267727.2 (MANE Select); coding-DNA position 977, G replaced by A.
Protein change: p.Arg326His; replaces arginine 326 with histidine.
Molecular consequence: missense variant.
Genome position (GRCh38, 1-based): chr17:68,370,519, G>A. VCF-style: chr17-68370519-G-A. GRCh37 (hg19) VCF-style: chr17-66366660-G-A.
Other names: c.977G>A, p.Arg326His (NM_001352899.2, NM_001352900.2, NM_001352901.2 and 3 more transcripts); c.974G>A, p.Arg325His (NM_001352903.2, NM_001352904.2, NM_001352905.2 and 2 more transcripts); c.929G>A, p.Arg310His (NM_001352909.2); c.977G>A (NM_014960.3); short protein forms R310H, R325H, R326H.
Identifiers: ClinVar variation 1005383 (VCV001005383.11), dbSNP rs372096059, ClinGen allele CA8728416.
Genomic context (GRCh38, chr17:68,370,519, plus strand): 5'-GGGCTCAGAAGTGTGAGCTAGCGGGCAGTGTGGGTCCCTTCACTGGATTTTGGCAAACTC[G>A]TCAAGGTAAGGGGCTCAGCTGGGGTTGGTGGATCCCATTGCAATGCTGAGCCCAGGCTGG-3'
Protein context (NP_001254656.1, residues 316-336): VGPFTGFWQT[Arg326His]QGGSPAKQTT

ClinVar aggregate classification (germline): Conflicting classifications of pathogenicity. Review status: criteria provided, conflicting classifications (1 of 4 stars). 2 submissions from 2 submitters: Uncertain significance (1); Likely benign (1). Last evaluated 2023-02-27.

Allele frequency attached by ClinVar (database versions not stated): TOPMed 0.00002.
gnomAD v4.1: 19 of 1,613,710 alleles (0.0012%); highest among the groups gnomAD compares: Middle Eastern, 0.016%; no homozygotes.

Submissions (2):

Ambry Genetics
Classification: Likely benign. Last evaluated: 2023-02-27. Review status: criteria provided, single submitter. Criteria: Ambry Variant Classification Scheme 2023. Collection method: clinical testing. Allele origin: germline.

Labcorp Genetics (formerly Invitae), Labcorp
Classification: Uncertain significance. Last evaluated: 2020-03-19. Review status: criteria provided, single submitter. Criteria: Invitae Variant Classification Sherloc (09022015). Collection method: clinical testing. Allele origin: germline.
Comment: This sequence change replaces arginine with histidine at codon 326 of the ARSG protein (p.Arg326His). The arginine residue is weakly conserved and there is a small physicochemical difference between arginine and histidine. This variant is present in population databases (rs372096059, ExAC 0.002%). This variant has not been reported in the literature in individuals with ARSG-related conditions. Algorithms developed to predict the effect of missense changes on protein structure and function output the following: SIFT: "Tolerated"; PolyPhen-2: "Benign"; Align-GVGD: "Class C0". The histidine amino acid residue is found in multiple mammalian species, suggesting that this missense change does not adversely affect protein function. These predictions have not been confirmed by published functional studies and their clinical significance is uncertain. In summary, the available evidence is currently insufficient to determine the role of this variant in disease. Therefore, it has been classified as a Variant of Uncertain Significance.